The following is an entry in ClinVar:

ClinVar aggregate classification (germline): Uncertain significance (1 of 4 stars; one submission).

Conditions:
Distal hereditary motor neuropathy type 2. Identifiers: Orphanet 139525, MedGen C3711384, MeSH C580044, MONDO:0015352.

Allele frequency attached by ClinVar (database versions not stated): gnomAD exomes below 0.00001.
gnomAD v4.1: 1 of 1,612,240 alleles (0.000062%); highest among the groups gnomAD compares: Non-Finnish European, 0.000085%; no homozygotes.

Submission:

Labcorp Genetics (formerly Invitae), Labcorp
Classification: Uncertain significance for Distal hereditary motor neuropathy type 2. Last evaluated: 2023-08-31. Review status: criteria provided, single submitter. Criteria: Invitae Variant Classification Sherloc (09022015). Collection method: clinical testing. Allele origin: germline.
Comment: In summary, the available evidence is currently insufficient to determine the role of this variant in disease. Therefore, it has been classified as a Variant of Uncertain Significance. Algorithms developed to predict the effect of missense changes on protein structure and function output the following: SIFT: "Not Available"; PolyPhen-2: "Probably Damaging"; Align-GVGD: "Not Available". The serine amino acid residue is found in multiple mammalian species, which suggests that this missense change does not adversely affect protein function. This variant has not been reported in the literature in individuals affected with FBXO38-related conditions. This variant is not present in population databases (gnomAD no frequency). This sequence change replaces proline, which is neutral and non-polar, with serine, which is neutral and polar, at codon 816 of the FBXO38 protein (p.Pro816Ser).

NM_205836.3(FBXO38):c.2671C>T (p.Pro891Ser)

Gene: FBXO38 (F-box protein 38; plus strand). Cytogenetic location: 5q32.
Variant type: single nucleotide variant.
Coding change: c.2671C>T on transcript NM_205836.3 (MANE Select); coding-DNA position 2671, C replaced by T.
Protein change: p.Pro891Ser; replaces proline 891 with serine.
Molecular consequence: missense variant.
Genome position (GRCh38, 1-based): chr5:148,433,441, C>T. VCF-style: chr5-148433441-C-T. GRCh37 (hg19) VCF-style: chr5-147813004-C-T.
Other names: c.1936C>T, p.Pro646Ser (NM_001271723.2); c.2446C>T, p.Pro816Ser (NM_030793.5); short protein forms P891S, P816S, P646S.
Identifiers: ClinVar variation 3018611 (VCV003018611.3), dbSNP rs2531833974, ClinGen allele CA361659152.